The following is an entry in ClinVar:

NM_004836.7(EIF2AK3):c.1532G>A (p.Arg511His)

Gene: EIF2AK3 (eukaryotic translation initiation factor 2 alpha kinase 3; minus strand). Cytogenetic location: 2p11.2.
Variant type: single nucleotide variant.
Coding change: c.1532G>A on transcript NM_004836.7 (MANE Select); coding-DNA position 1532, G replaced by A.
Protein change: p.Arg511His; replaces arginine 511 with histidine.
Molecular consequence: missense variant.
Genome position (GRCh38, 1-based): chr2:88,585,959, C>T on the plus strand (G>A on the coding strand, the complement: EIF2AK3 is on the minus strand). VCF-style: chr2-88585959-C-T. GRCh37 (hg19) VCF-style: chr2-88885477-C-T.
Other names: c.1079G>A, p.Arg360His (NM_001313915.2); short protein forms R360H, R511H.
Identifiers: ClinVar variation 1969430 (VCV001969430.2), dbSNP rs1188393423, ClinGen allele CA347594477.

ClinVar aggregate classification (germline): Uncertain significance (1 of 4 stars; one submission).

Allele frequency attached by ClinVar (database versions not stated): gnomAD exomes below 0.00001; gnomAD 0.00001; 1000 Genomes Project 30x 0.00016.
gnomAD v4.1: 7 of 1,614,028 alleles (0.00043%); highest among the groups gnomAD compares: South Asian, 0.0044%; no homozygotes.

Submission:

Labcorp Genetics (formerly Invitae), Labcorp
Classification: Uncertain significance. Last evaluated: 2022-01-15. Review status: criteria provided, single submitter. Criteria: Invitae Variant Classification Sherloc (09022015). Collection method: clinical testing. Allele origin: germline.
Comment: This sequence change replaces arginine, which is basic and polar, with histidine, which is basic and polar, at codon 511 of the EIF2AK3 protein (p.Arg511His). This variant is present in population databases (no rsID available, gnomAD 0.01%). This variant has not been reported in the literature in individuals affected with EIF2AK3-related conditions. Algorithms developed to predict the effect of missense changes on protein structure and function are either unavailable or do not agree on the potential impact of this missense change (SIFT: "Tolerated"; PolyPhen-2: "Probably Damaging"; Align-GVGD: "Class C0"). In summary, the available evidence is currently insufficient to determine the role of this variant in disease. Therefore, it has been classified as a Variant of Uncertain Significance.